The following is an entry in ClinVar:

NM_000465.4(BARD1):c.751dup (p.Ser251fs)

Gene: BARD1 (BRCA1 associated RING domain 1; minus strand). Cytogenetic location: 2q35.
Variant type: Duplication.
Coding change: c.751dup on transcript NM_000465.4 (MANE Select); coding-DNA position 751, one base duplicated (A; older notation c.751dupA).
Protein change: p.Ser251fs; shifts the reading frame from serine 251.
Molecular consequence: frameshift variant. On other transcripts: non-coding transcript variant (2), intron variant (3).
Genome position (GRCh38, 1-based): chr2:214,781,123, T duplicated on the plus strand (A on the coding strand, the reverse complement: BARD1 is on the minus strand). VCF-style (leftmost placement, unchanged base first): chr2-214781122-C-CT. GRCh37 (hg19) VCF-style: chr2-215645846-C-CT.
Other names: c.694dup, p.Ser232fs (NM_001282543.2); c.158+28289dup (NM_001282548.2); c.215+15938dup (NM_001282545.2); c.364+11174dup (NM_001282549.2); short protein forms S232fs, S251fs.
Identifiers: ClinVar variation 5032817 (VCV005032817.1).

ClinVar aggregate classification (germline): Pathogenic (1 of 4 stars; one submission).

Conditions:
Hereditary cancer-predisposing syndrome. Also called: Neoplastic Syndromes, Hereditary; Tumor predisposition; Hereditary neoplastic syndrome; Hereditary Cancer Syndrome. Identifiers: Orphanet 140162, MedGen C0027672, MeSH D009386, MONDO:0015356.

Submission:

Ambry Genetics
Classification: Pathogenic for Hereditary cancer-predisposing syndrome. Last evaluated: 2026-09-08. Review status: criteria provided, single submitter. Criteria: Ambry Variant Classification Scheme 2023. Collection method: clinical testing. Allele origin: germline.
Comment: The c.751dupA pathogenic mutation, located in coding exon 4 of the BARD1 gene, results from a duplication of A at nucleotide position 751, causing a translational frameshift with a predicted alternate stop codon (p.S251Kfs*7). This variant is considered to be rare based on population cohorts in the Genome Aggregation Database (gnomAD). This variant is expected to result in loss of function by premature protein truncation or nonsense-mediated mRNA decay. As such, this variant is interpreted as a disease-causing mutation.